The following is an entry in ClinVar:

NM_001379291.1(BRD4):c.746C>G (p.Thr249Arg)

Gene: BRD4 (bromodomain containing 4; minus strand). Cytogenetic location: 19p13.12.
Variant type: single nucleotide variant.
Coding change: c.746C>G on transcript NM_001379291.1 (MANE Select); coding-DNA position 746, C replaced by G.
Protein change: p.Thr249Arg; replaces threonine 249 with arginine.
Molecular consequence: missense variant.
Genome position (GRCh38, 1-based): chr19:15,265,457, G>C on the plus strand (C>G on the coding strand, the complement: BRD4 is on the minus strand). VCF-style: chr19-15265457-G-C. GRCh37 (hg19) VCF-style: chr19-15376268-G-C.
Other names: c.746C>G, p.Thr249Arg (NM_001330384.2, NM_001379292.1, NM_014299.3 and 1 more transcripts); short protein forms T249R.
Identifiers: ClinVar variation 2869965 (VCV002869965.3), dbSNP rs536634033, ClinGen allele CA9265548.
Genomic context (GRCh38, chr19:15,265,457, plus strand): 5'-TGTACGGGCTGGGGAGCTGGAGCGGGTGGGGGTTGTGGCTGGGGGGGCACTGGCGGGGGC[G>C]TCTGCAGTGGCTGGGGAGGCACCACTGTCATGACAGGGGTCTGGACGATGAGGTCCGGGG-3'
Protein context (NP_001366220.1, residues 239-259): MTVVPPQPLQ[Thr249Arg]PPPVPPQPQP

ClinVar aggregate classification (germline): Uncertain significance (1 of 4 stars; one submission).

gnomAD v4.1: 68 of 1,585,080 alleles (0.0043%); highest among the groups gnomAD compares: Non-Finnish European, 0.0054%; no homozygotes.

Submission:

Labcorp Genetics (formerly Invitae), Labcorp
Classification: Uncertain significance. Last evaluated: 2024-09-17. Review status: criteria provided, single submitter. Criteria: Invitae Variant Classification Sherloc (09022015). Collection method: clinical testing. Allele origin: germline.
Comment: This sequence change replaces threonine, which is neutral and polar, with arginine, which is basic and polar, at codon 249 of the BRD4 protein (p.Thr249Arg). This variant is present in population databases (rs536634033, gnomAD 0.03%). This variant has not been reported in the literature in individuals affected with BRD4-related conditions. Experimental studies and prediction algorithms are not available or were not evaluated, and the functional significance of this variant is currently unknown. In summary, the available evidence is currently insufficient to determine the role of this variant in disease. Therefore, it has been classified as a Variant of Uncertain Significance.